The following is an entry in ClinVar:

ClinVar aggregate classification (germline): Uncertain significance (1 of 4 stars; one submission).

Conditions:
Early-infantile DEE. Also called: Early infantile epileptic encephalopathy; Early infantile epileptic encephalopathy with suppression bursts; Ohtahara syndrome. Identifiers: Orphanet 1934, MedGen C0393706, MONDO:0800491.

Allele frequency attached by ClinVar (database versions not stated): TOPMed 0.00001; gnomAD 0.00001; ExAC 0.00002.
gnomAD v4.1: 13 of 1,614,056 alleles (0.00081%); highest among the groups gnomAD compares: Middle Eastern, 0.016%; no homozygotes.

Submission:

Labcorp Genetics (formerly Invitae), Labcorp
Classification: Uncertain significance for Early-infantile DEE. Last evaluated: 2023-03-21. Review status: criteria provided, single submitter. Criteria: Invitae Variant Classification Sherloc (09022015). Collection method: clinical testing. Allele origin: germline.
Comment: In summary, the available evidence is currently insufficient to determine the role of this variant in disease. Therefore, it has been classified as a Variant of Uncertain Significance. Advanced modeling of protein sequence and biophysical properties (such as structural, functional, and spatial information, amino acid conservation, physicochemical variation, residue mobility, and thermodynamic stability) has been performed at Invitae for this missense variant, however the output from this modeling did not meet the statistical confidence thresholds required to predict the impact of this variant on SPTAN1 protein function. This variant has not been reported in the literature in individuals affected with SPTAN1-related conditions. This variant is present in population databases (rs747796809, gnomAD 0.008%). This sequence change replaces alanine, which is neutral and non-polar, with threonine, which is neutral and polar, at codon 1513 of the SPTAN1 protein (p.Ala1513Thr).

NM_001130438.3(SPTAN1):c.4537G>A (p.Ala1513Thr)

Gene: SPTAN1 (spectrin alpha, non-erythrocytic 1; plus strand). Cytogenetic location: 9q34.11.
Variant type: single nucleotide variant.
Coding change: c.4537G>A on transcript NM_001130438.3 (MANE Select); coding-DNA position 4537, G replaced by A.
Protein change: p.Ala1513Thr; replaces alanine 1513 with threonine.
Molecular consequence: missense variant.
Genome position (GRCh38, 1-based): chr9:128,608,919, G>A. VCF-style: chr9-128608919-G-A. GRCh37 (hg19) VCF-style: chr9-131371198-G-A.
Other names: c.4477G>A, p.Ala1493Thr (NM_001195532.2, NM_001363765.2, NM_001375314.2); c.4537G>A, p.Ala1513Thr (NM_001363759.2, NM_001375310.1, NM_001375311.2 and 2 more transcripts); c.4573G>A, p.Ala1525Thr (NM_001375312.2, NM_001375318.1); short protein forms A1493T, A1525T, A1513T.
Identifiers: ClinVar variation 2732143 (VCV002732143.3), dbSNP rs747796809, ClinGen allele CA5265207.